The following is an entry in ClinVar:

ClinVar aggregate classification (germline): Uncertain significance (1 of 4 stars; one submission).

Submission:

Labcorp Genetics (formerly Invitae), Labcorp
Classification: Uncertain significance. Last evaluated: 2023-01-06. Review status: criteria provided, single submitter. Criteria: Invitae Variant Classification Sherloc (09022015). Collection method: clinical testing. Allele origin: germline.
Comment: This sequence change replaces valine, which is neutral and non-polar, with phenylalanine, which is neutral and non-polar, at codon 505 of the AK7 protein (p.Val505Phe). This variant is not present in population databases (gnomAD no frequency). This variant has not been reported in the literature in individuals affected with AK7-related conditions. Advanced modeling of protein sequence and biophysical properties (such as structural, functional, and spatial information, amino acid conservation, physicochemical variation, residue mobility, and thermodynamic stability) performed at Invitae indicates that this missense variant is not expected to disrupt AK7 protein function. In summary, the available evidence is currently insufficient to determine the role of this variant in disease. Therefore, it has been classified as a Variant of Uncertain Significance.

NM_152327.5(AK7):c.1513G>T (p.Val505Phe)

Gene: AK7 (adenylate kinase 7; plus strand). Cytogenetic location: 14q32.2.
Variant type: single nucleotide variant.
Coding change: c.1513G>T on transcript NM_152327.5 (MANE Select); coding-DNA position 1513, G replaced by T.
Protein change: p.Val505Phe; replaces valine 505 with phenylalanine.
Molecular consequence: missense variant. On other transcripts: intron variant (3).
Genome position (GRCh38, 1-based): chr14:96,472,713, G>T. VCF-style: chr14-96472713-G-T. GRCh37 (hg19) VCF-style: chr14-96939050-G-T.
Other names: c.1435G>T, p.Val479Phe (NM_001350891.2); c.1486+1107G>T (NM_001350888.2, NM_001350890.2); c.1358-5752G>T (NM_001350892.2); short protein forms V479F, V505F.
Identifiers: ClinVar variation 2826528 (VCV002826528.3), dbSNP rs2504619843, ClinGen allele CA390921377.